The following is an entry in ClinVar:

NM_021076.4(NEFH):c.740_741delinsAA (p.Gly247Glu)

Gene: NEFH (neurofilament heavy chain; plus strand). Cytogenetic location: 22q12.2.
Variant type: Indel.
Coding change: c.740_741delinsAA on transcript NM_021076.4 (MANE Select); coding-DNA positions 740 to 741, GC replaced by AA.
Protein change: p.Gly247Glu; replaces glycine 247 with glutamic acid.
Molecular consequence: missense variant.
Genome position (GRCh38, 1-based): chr22:29,481,002-29,481,003, GC replaced by AA. VCF-style: chr22-29481002-GC-AA. GRCh37 (hg19) VCF-style: chr22-29876991-GC-AA.
Other names: short protein forms G247E.
Identifiers: ClinVar variation 2802011 (VCV002802011.3), dbSNP rs2517969519, ClinGen allele CA2739267859.

ClinVar aggregate classification (germline): Uncertain significance (1 of 4 stars; one submission).

Submission:

Labcorp Genetics (formerly Invitae), Labcorp
Classification: Uncertain significance. Last evaluated: 2024-02-12. Review status: criteria provided, single submitter. Criteria: Invitae Variant Classification Sherloc (09022015). Collection method: clinical testing. Allele origin: germline.
Comment: This sequence change replaces glycine, which is neutral and non-polar, with glutamic acid, which is acidic and polar, at codon 247 of the NEFH protein (p.Gly247Glu). Information on the frequency of this variant in the gnomAD database is not available, as this variant may be reported differently in the database. This variant has not been reported in the literature in individuals affected with NEFH-related conditions. Experimental studies and prediction algorithms are not available or were not evaluated, and the functional significance of this variant is currently unknown. In summary, the available evidence is currently insufficient to determine the role of this variant in disease. Therefore, it has been classified as a Variant of Uncertain Significance.